The following is an entry in ClinVar:

NM_001365536.1(SCN9A):c.2374G>A (p.Val792Ile)

Genes: SCN1A-AS1 (SCN1A and SCN9A antisense RNA 1; plus strand), SCN9A (sodium voltage-gated channel alpha subunit 9; minus strand). Cytogenetic location: 2q24.3.
Variant type: single nucleotide variant.
Coding change: c.2374G>A on transcript NM_001365536.1 (MANE Select); coding-DNA position 2374, G replaced by A.
Protein change: p.Val792Ile; replaces valine 792 with isoleucine.
Molecular consequence: missense variant.
Genome position (GRCh38, 1-based): chr2:166,278,283, C>T on the plus strand (G>A on the coding strand, the complement: SCN9A is on the minus strand). VCF-style: chr2-166278283-C-T. GRCh37 (hg19) VCF-style: chr2-167134793-C-T.
Other names: c.2341G>A, p.Val781Ile (NM_002977.4); short protein forms V781I, V792I.
Identifiers: ClinVar variation 2003457 (VCV002003457.4), dbSNP rs1697326682, ClinGen allele CA349078477.

ClinVar aggregate classification (germline): Uncertain significance (1 of 4 stars; one submission).

Conditions:
Generalized epilepsy with febrile seizures plus, type 7 (GEFSP7). Also called: GEFS+, TYPE 7. Identifiers: Orphanet 36387, MedGen C2751778, MONDO:0013470, OMIM 613863.
Neuropathy, hereditary sensory and autonomic, type 2A (HSAN2A). Also called: MORVAN DISEASE; NEUROPATHY, CONGENITAL SENSORY; NEUROPATHY, HEREDITARY SENSORY RADICULAR, AUTOSOMAL RECESSIVE; NEUROPATHY, HEREDITARY SENSORY, TYPE IIA; NEUROPATHY, PROGRESSIVE SENSORY, OF CHILDREN; WNK1-Related HSAN2 (HSAN2A). Identifiers: Orphanet 970, MedGen C2752089, MONDO:0024309, OMIM 201300.

Submission:

Labcorp Genetics (formerly Invitae), Labcorp
Classification: Uncertain significance for Neuropathy, hereditary sensory and autonomic, type 2A; Generalized epilepsy with febrile seizures plus, type 7. Last evaluated: 2022-06-20. Review status: criteria provided, single submitter. Criteria: Invitae Variant Classification Sherloc (09022015). Collection method: clinical testing. Allele origin: germline.
Comment: In summary, the available evidence is currently insufficient to determine the role of this variant in disease. Therefore, it has been classified as a Variant of Uncertain Significance. Algorithms developed to predict the effect of missense changes on protein structure and function (SIFT, PolyPhen-2, Align-GVGD) all suggest that this variant is likely to be tolerated. This variant has not been reported in the literature in individuals affected with SCN9A-related conditions. This variant is not present in population databases (gnomAD no frequency). This sequence change replaces valine, which is neutral and non-polar, with isoleucine, which is neutral and non-polar, at codon 781 of the SCN9A protein (p.Val781Ile).